The following is an entry in ClinVar:

ClinVar aggregate classification (germline): Pathogenic (1 of 4 stars; one submission).

Conditions:
Neuronopathy, distal hereditary motor, autosomal recessive 4. Also called: Autosomal recessive lower motor neuron disease with childhood onset; NEUROPATHY, DISTAL HEREDITARY MOTOR, AUTOSOMAL RECESSIVE 4. Identifiers: Orphanet 206580, MedGen C1970211, MONDO:0012608, OMIM 611067.
Charcot-Marie-Tooth disease recessive intermediate C. Also called: CHARCOT-MARIE-TOOTH NEUROPATHY, RECESSIVE INTERMEDIATE C. Identifiers: Orphanet 369867, MedGen C3809309, MONDO:0014154, OMIM 615376.

Submission:

Labcorp Genetics (formerly Invitae), Labcorp
Classification: Pathogenic for Neuronopathy, distal hereditary motor, autosomal recessive 4; Charcot-Marie-Tooth disease recessive intermediate C. Last evaluated: 2025-08-26. Review status: criteria provided, single submitter. Criteria: Invitae Variant Classification Sherloc (09022015). Collection method: clinical testing. Allele origin: germline.
Comment: This sequence change creates a premature translational stop signal (p.Pro847Hisfs*21) in the PLEKHG5 gene. It is expected to result in an absent or disrupted protein product. Loss-of-function variants in PLEKHG5 are known to be pathogenic (PMID: 17564964, 23777631). This variant is present in population databases (no rsID available, gnomAD 0.006%). This variant has not been reported in the literature in individuals affected with PLEKHG5-related conditions. ClinVar contains an entry for this variant (Variation ID: 2065924). For these reasons, this variant has been classified as Pathogenic.

Literature cited by the submitters: PubMed 17564964; PubMed 23777631.

NM_020631.6(PLEKHG5):c.2540del (p.Pro847fs)

Gene: PLEKHG5 (pleckstrin homology and RhoGEF domain containing G5; minus strand). Cytogenetic location: 1p36.31.
Variant type: Deletion.
Coding change: c.2540del on transcript NM_020631.6 (MANE Select); coding-DNA position 2540, one base deleted (C; older notation c.2540delC).
Protein change: p.Pro847fs; shifts the reading frame from proline 847.
Molecular consequence: frameshift variant.
Genome position (GRCh38, 1-based): chr1:6,468,296, G deleted on the plus strand (C on the coding strand, the reverse complement: PLEKHG5 is on the minus strand); the first of 4 consecutive G bases (chr1:6,468,296-6,468,299); deleting any one gives the same sequence. VCF-style (leftmost placement, unchanged base first): chr1-6468295-TG-T. GRCh37 (hg19) VCF-style: chr1-6528355-TG-T.
Other names: c.2651del, p.Pro884fs (NM_001042663.3, NM_001265592.2); c.2537delC, p.Pro847Hisfs (NM_001042664.2, NM_001042665.2, NM_001265594.3); c.2744delC, p.Pro916Hisfs (NM_001265593.2); c.2540del, p.Pro847fs (NM_198681.4); short protein forms P847fs, P884fs, P916fs.
Identifiers: ClinVar variation 2065924 (VCV002065924.4), dbSNP rs1391733497, ClinGen allele CA521018447.